The following is an entry in ClinVar:

ClinVar aggregate classification (germline): Likely benign (1 of 4 stars; one submission).

gnomAD v4.1: 54 of 1,613,934 alleles (0.0033%); highest among the groups gnomAD compares: Non-Finnish European, 0.0041%; no homozygotes.

Submission:

Mayo Clinic Laboratories, Mayo Clinic
Classification: Likely benign. Last evaluated: 2025-04-29. Review status: criteria provided, single submitter. Criteria: ACMG Guidelines, 2015. Collection method: clinical testing. Allele origin: germline. Observed: 1 variant allele.
Comment: BP4, BP7

NM_012414.4(RAB3GAP2):c.1068C>T (p.His356=)

Gene: RAB3GAP2 (RAB3 GTPase activating non-catalytic protein subunit 2; minus strand). Cytogenetic location: 1q41.
Variant type: single nucleotide variant.
Coding change: c.1068C>T on transcript NM_012414.4 (MANE Select); coding-DNA position 1068, C replaced by T.
Protein change: p.His356=; no amino-acid change (histidine 356 retained).
Molecular consequence: synonymous variant.
Genome position (GRCh38, 1-based): chr1:220,195,140, G>A on the plus strand (C>T on the coding strand, the complement: RAB3GAP2 is on the minus strand). VCF-style: chr1-220195140-G-A. GRCh37 (hg19) VCF-style: chr1-220368482-G-A.
Other names: p.His356=.
Identifiers: ClinVar variation 4684195 (VCV004684195.1).